The following is an entry in ClinVar:

NM_007103.4(NDUFV1):c.13C>T (p.Arg5Trp)

Gene: NDUFV1 (NADH:ubiquinone oxidoreductase core subunit V1; plus strand). Cytogenetic location: 11q13.2.
Variant type: single nucleotide variant.
Coding change: c.13C>T on transcript NM_007103.4 (MANE Select); coding-DNA position 13, C replaced by T.
Protein change: p.Arg5Trp; replaces arginine 5 with tryptophan.
Molecular consequence: missense variant.
Genome position (GRCh38, 1-based): chr11:67,607,017, C>T. VCF-style: chr11-67607017-C-T. GRCh37 (hg19) VCF-style: chr11-67374488-C-T.
Other names: c.13C>T, p.Arg5Trp (NM_001166102.2); short protein forms R5W.
Identifiers: ClinVar variation 1329776 (VCV001329776.5), dbSNP rs372800212, ClinGen allele CA6143020.
Genomic context (GRCh38, chr11:67,607,017, plus strand): 5'-CAGTGCTATGAAGGTGACAGCGTGAGGTGACCCATCTGGCCCGCCGCGATGCTGGCAACA[C>T]GGCGGCTGCTCGGCTGGTCGCTTCCCGCGCGGGTATCTGTGCGTTTCAGCGGCGACACGG-3'
Protein context (NP_009034.2, residues 1-15): MLAT[Arg5Trp]RLLGWSLPAR

ClinVar aggregate classification (germline): Uncertain significance. Review status: criteria provided, multiple submitters, no conflicts (2 of 4 stars). 3 submissions from 3 submitters: Uncertain significance (3). Last evaluated 2024-04-19.

Conditions:
Inborn genetic diseases. Identifiers: MedGen C0950123, MeSH D030342.

Allele frequency attached by ClinVar (database versions not stated): gnomAD 0.00002; gnomAD exomes 0.00004 and 0.00008; TOPMed 0.00005; ExAC 0.00007; ESP Exome Variant Server 0.00008.

Submissions (3):

GeneDx
Classification: Uncertain significance. Last evaluated: 2024-04-19. Review status: criteria provided, single submitter. Criteria: GeneDx Variant Classification Process June 2021. Collection method: clinical testing. Allele origin: germline. Affected: yes.
Comment: Not observed at significant frequency in large population cohorts (gnomAD); In silico analysis indicates that this missense variant does not alter protein structure/function; Has not been previously published as pathogenic or benign to our knowledge

Ambry Genetics
Classification: Uncertain significance for Inborn genetic diseases. Last evaluated: 2024-03-25. Review status: criteria provided, single submitter. Criteria: Ambry Variant Classification Scheme 2023. Collection method: clinical testing. Allele origin: germline.

Labcorp Genetics (formerly Invitae), Labcorp
Classification: Uncertain significance. Last evaluated: 2022-10-17. Review status: criteria provided, single submitter. Criteria: Invitae Variant Classification Sherloc (09022015). Collection method: clinical testing. Allele origin: germline.
Comment: This sequence change replaces arginine, which is basic and polar, with tryptophan, which is neutral and slightly polar, at codon 5 of the NDUFV1 protein (p.Arg5Trp). This variant is present in population databases (rs372800212, gnomAD 0.01%). This variant has not been reported in the literature in individuals affected with NDUFV1-related conditions. ClinVar contains an entry for this variant (Variation ID: 1329776). Advanced modeling of protein sequence and biophysical properties (such as structural, functional, and spatial information, amino acid conservation, physicochemical variation, residue mobility, and thermodynamic stability) performed at Invitae indicates that this missense variant is not expected to disrupt NDUFV1 protein function. In summary, the available evidence is currently insufficient to determine the role of this variant in disease. Therefore, it has been classified as a Variant of Uncertain Significance.